The following is an entry in ClinVar:

NM_014908.4(DOLK):c.517A>G (p.Ile173Val)

Gene: DOLK (dolichol kinase; minus strand). Cytogenetic location: 9q34.11.
Variant type: single nucleotide variant.
Coding change: c.517A>G on transcript NM_014908.4 (MANE Select); coding-DNA position 517, A replaced by G.
Protein change: p.Ile173Val; replaces isoleucine 173 with valine.
Molecular consequence: missense variant.
Genome position (GRCh38, 1-based): chr9:128,946,787, T>C on the plus strand (A>G on the coding strand, the complement: DOLK is on the minus strand). VCF-style: chr9-128946787-T-C. GRCh37 (hg19) VCF-style: chr9-131709066-T-C.
Other names: short protein forms I173V.
Identifiers: ClinVar variation 3273490 (VCV003273490.2).

ClinVar aggregate classification (germline): Uncertain significance (1 of 4 stars; one submission).

Conditions:
Cardiovascular phenotype. Identifiers: MedGen CN230736.

Submission:

Ambry Genetics
Classification: Uncertain significance for Cardiovascular phenotype. Last evaluated: 2024-07-04. Review status: criteria provided, single submitter. Criteria: Ambry Variant Classification Scheme 2023. Collection method: clinical testing. Allele origin: germline.
Comment: The p.I173V variant (also known as c.517A>G), located in coding exon 1 of the DOLK gene, results from an A to G substitution at nucleotide position 517. The isoleucine at codon 173 is replaced by valine, an amino acid with highly similar properties. This amino acid position is conserved. In addition, the in silico prediction for this alteration is inconclusive. Based on the available evidence, the clinical significance of this variant remains unclear.